The following is an entry in ClinVar:

ClinVar aggregate classification (germline): Uncertain significance (1 of 4 stars; one submission).

Conditions:
Long QT syndrome (LQTS). Identifiers: MedGen C0023976, MeSH D008133, MONDO:0002442. Disease mechanism: loss of function. Inheritance: Various modes of inheritance.

Submission:

All of Us Research Program, National Institutes of Health
Classification: Uncertain significance for Long QT syndrome. Last evaluated: 2023-05-16. Review status: criteria provided, single submitter. Criteria: ACMG Guidelines, 2015. Collection method: clinical testing. Allele origin: germline. Inheritance: Autosomal dominant inheritance. Observed: 1 variant allele, 1 heterozygote.
Comment: This variant causes a duplication of five nucleotides in the 5' untranslated region of KCNH2 gene. To our knowledge, functional studies have not been reported for this variant. This variant has not been reported in individuals affected with KCNH2-related disorders in the literature. This variant has not been identified in the general population by the Genome Aggregation Database (gnomAD). The available evidence is insufficient to determine the role of this variant in disease conclusively. Therefore, this variant is classified as a Variant of Uncertain Significance.

This study involves interpretation of variants in research participants for the purpose of population health screening. Participant phenotype was not available at the time of variant classification. Additional details can be found in publication PMID: 35346344, PMCID: PMC8962531

NM_000238.4(KCNH2):c.-16_-12dup

Gene: KCNH2 (potassium voltage-gated channel subfamily H member 2; minus strand). Cytogenetic location: 7q36.1.
Variant type: Duplication.
Coding change: c.-16_-12dup on transcript NM_000238.4 (MANE Select); 16 bases upstream of the start codon through 12 bases upstream of the start codon, 5 bases duplicated (CGCCC; older notation c.-16_-12dupCGCCC).
Molecular consequence: 5 prime UTR variant. On other transcripts: non-coding transcript variant (1).
Genome position (GRCh38, 1-based): chr7:150,977,925-150,977,929, GGGCG duplicated on the plus strand (CGCCC on the coding strand, the reverse complement: KCNH2 is on the minus strand); duplicating any 5 consecutive bases within chr7:150,977,925-150,977,931 gives the same sequence; the c. name uses the placement nearest the transcript's 3' end. VCF-style (leftmost placement, unchanged base first): chr7-150977924-T-TGGGCG. GRCh37 (hg19) VCF-style: chr7-150675012-T-TGGGCG.
Other names: c.-16_-12dup (NM_172056.3).
Identifiers: ClinVar variation 3070995 (VCV003070995.1), dbSNP rs1802018528, ClinGen allele CA1108710498.
Genomic context (GRCh38, chr7:150,977,924, plus strand): 5'-GTGTCCAGGAAGGTGTTCTGCGGCGCGACGTGGCCCCTCCGCACCGGCATCCTGAGCCCA[T>TGGGCG]GGGCGGGCCGGGCGGGCCCCCACCCACCCCGGCCCGGCCCGGCCCAGCACTAGGCTTCGG-3'